The following is an entry in ClinVar:

NM_015215.4(CAMTA1):c.2137del (p.Cys713fs)

Gene: CAMTA1 (calmodulin binding transcription activator 1; plus strand). Cytogenetic location: 1p36.23.
Variant type: Deletion.
Coding change: c.2137del on transcript NM_015215.4 (MANE Select); coding-DNA position 2137, one base deleted (T; older notation c.2137delT).
Protein change: p.Cys713fs; shifts the reading frame from cysteine 713.
Molecular consequence: frameshift variant.
Genome position (GRCh38, 1-based): chr1:7,664,684, T deleted; the last of 2 consecutive T bases (chr1:7,664,683-7,664,684); deleting either gives the same sequence. VCF-style (leftmost placement, unchanged base first): chr1-7664682-CT-C. GRCh37 (hg19) VCF-style: chr1-7724742-CT-C.
Other names: c.2047del, p.Cys683fs (NM_001349608.2, NM_001349612.2); c.2137del, p.Cys713fs (NM_001349609.2, NM_001349610.2, NM_001410737.1); c.2065del, p.Cys689fs (NM_001410738.1); short protein forms C683fs, C713fs, C689fs.
Identifiers: ClinVar variation 4218602 (VCV004218602.1).

ClinVar aggregate classification (germline): Pathogenic (1 of 4 stars; one submission).

Conditions:
Inborn genetic diseases. Identifiers: MedGen C0950123, MeSH D030342.

Submission:

Ambry Genetics
Classification: Pathogenic for Inborn genetic diseases. Last evaluated: 2025-07-21. Review status: criteria provided, single submitter. Criteria: Ambry Variant Classification Scheme 2023. Collection method: clinical testing. Allele origin: germline.
Comment: The c.2137delT (p.C713Afs*14) alteration, located in exon 9 (coding exon 9) of the CAMTA1 gene, consists of a deletion of one nucleotide at position 2137, causing a translational frameshift with a predicted alternate stop codon after 14 amino acids. This alteration is expected to result in loss of function by premature protein truncation or nonsense-mediated mRNA decay. This variant was not reported in population-based cohorts in the Genome Aggregation Database (gnomAD). Based on the available evidence, this alteration is classified as pathogenic.